The following is an entry in ClinVar:

ClinVar aggregate classification (germline): Uncertain significance (1 of 4 stars; one submission).

Submission:

GeneDx
Classification: Uncertain significance. Last evaluated: 2022-11-03. Review status: criteria provided, single submitter. Criteria: GeneDx Variant Classification Process June 2021. Collection method: clinical testing. Allele origin: germline. Affected: yes.
Comment: Has not been previously published as pathogenic or benign to our knowledge; Nonsense variant predicted to result in protein truncation or nonsense mediated decay in a gene or region of a gene for which loss of function is not a well-established mechanism of disease; Not observed at significant frequency in large population cohorts (gnomAD)

NM_025144.4(ALPK1):c.1323_1324del (p.Leu441_Asp442insTer)

Gene: ALPK1 (alpha kinase 1; plus strand). Cytogenetic location: 4q25.
Variant type: Deletion.
Coding change: c.1323_1324del on transcript NM_025144.4 (MANE Select); coding-DNA positions 1323 to 1324, 2 bases deleted (GG; older notation c.1323_1324delGG).
Protein change: p.Leu441_Asp442insTer.
Molecular consequence: frameshift variant.
Genome position (GRCh38, 1-based): chr4:112,430,870-112,430,871, GG deleted. VCF-style (leftmost placement, unchanged base first): chr4-112430869-TGG-T. GRCh37 (hg19) VCF-style: chr4-113352025-TGG-T.
Other names: c.1323_1324del, p.Leu441_Asp442insTer (NM_001102406.2); c.1089_1090del, p.Leu363_Asp364insTer (NM_001253884.2).
Identifiers: ClinVar variation 2501415 (VCV002501415.1), dbSNP rs2476503170, ClinGen allele CA2580616753.
Genomic context (GRCh38, chr4:112,430,869, plus strand): 5'-TTCAAAGCTTCTCAAATGTAGATGACAGATCTTATGTTCCCGAGAGTTTCGAGTGCAGGT[TGG>T]ATAAACTTATCTTGCATGGGCAAGGGGATTTCCAAAAAATCCTTGACACCTATTCACAGC-3'